The following is an entry in ClinVar:

ClinVar aggregate classification (germline): Uncertain significance (1 of 4 stars; one submission).

Submission:

Labcorp Genetics (formerly Invitae), Labcorp
Classification: Uncertain significance. Last evaluated: 2022-08-17. Review status: criteria provided, single submitter. Criteria: Invitae Variant Classification Sherloc (09022015). Collection method: clinical testing. Allele origin: germline.
Comment: This variant, c.926_937del, results in the deletion of 4 amino acid(s) of the TRIP4 protein (p.Arg309_Glu312del), but otherwise preserves the integrity of the reading frame. This variant is present in population databases (no rsID available, gnomAD 0.0009%). This variant has not been reported in the literature in individuals affected with TRIP4-related conditions. Experimental studies and prediction algorithms are not available or were not evaluated, and the functional significance of this variant is currently unknown. In summary, the available evidence is currently insufficient to determine the role of this variant in disease. Therefore, it has been classified as a Variant of Uncertain Significance.

NM_016213.5(TRIP4):c.926_937del (p.Arg309_Glu312del)

Gene: TRIP4 (thyroid hormone receptor interactor 4; plus strand). Cytogenetic location: 15q22.31.
Variant type: Deletion.
Coding change: c.926_937del on transcript NM_016213.5 (MANE Select); coding-DNA positions 926 to 937, 12 bases deleted (GAGAGGAGGAGC).
Protein change: p.Arg309_Glu312del.
Molecular consequence: inframe deletion. On other transcripts: non-coding transcript variant (1).
Genome position (GRCh38, 1-based): chr15:64,409,711-64,409,722, GAGAGGAGGAGC deleted; deleting any 12 consecutive bases within chr15:64,409,708-64,409,722 gives the same sequence; the c. name uses the placement nearest the transcript's 3' end. VCF-style (leftmost placement, unchanged base first): chr15-64409707-AAGCGAGAGGAGG-A. GRCh37 (hg19) VCF-style: chr15-64701906-AAGCGAGAGGAGG-A.
Other names: c.236_247del, p.Arg79_Glu82del (NM_001321924.2).
Identifiers: ClinVar variation 2052141 (VCV002052141.4), dbSNP rs1478801234, ClinGen allele CA618956351.
Genomic context (GRCh38, chr15:64,409,707, plus strand): 5'-GATTACTTTGCCAGTGATTCTAACCAATGGTTGTCCAAACTTGAGCGGGAAACCTTGCAG[AAGCGAGAGGAGG>A]AGCTGAGAGAACTTCGACACGCCTCTCGACTTTCTAAGAAGGTCACCATTGACTTTGCAG-3'